The following is an entry in ClinVar:

NM_015898.4(ZBTB7A):c.839C>T (p.Ala280Val)

Gene: ZBTB7A (zinc finger and BTB domain containing 7A; minus strand). Cytogenetic location: 19p13.3.
Variant type: single nucleotide variant.
Coding change: c.839C>T on transcript NM_015898.4 (MANE Select); coding-DNA position 839, C replaced by T.
Protein change: p.Ala280Val; replaces alanine 280 with valine.
Molecular consequence: missense variant.
Genome position (GRCh38, 1-based): chr19:4,054,394, G>A on the plus strand (C>T on the coding strand, the complement: ZBTB7A is on the minus strand). VCF-style: chr19-4054394-G-A. GRCh37 (hg19) VCF-style: chr19-4054392-G-A.
Other names: c.839C>T, p.Ala280Val (NM_001317990.2); short protein forms A280V.
Identifiers: ClinVar variation 4845541 (VCV004845541.1).

ClinVar aggregate classification (germline): Uncertain significance (1 of 4 stars; one submission).

Submission:

Greenwood Genetic Center Diagnostic Laboratories, Greenwood Genetic Center
Classification: Uncertain significance. Last evaluated: 2025-12-16. Review status: criteria provided, single submitter. Criteria: ACMG Guidelines, 2015. Collection method: clinical testing. Allele origin: germline. Affected: yes.
Comment: PM1, PM2, BP4